The following is an entry in ClinVar:

NM_014391.3(ANKRD1):c.346-35_346-12del

Gene: ANKRD1 (ankyrin repeat domain 1; minus strand). Cytogenetic location: 10q23.31.
Variant type: Deletion.
Coding change: c.346-35_346-12del on transcript NM_014391.3 (MANE Select); 35 bases into the intron before coding-DNA position 346 through 12 bases into the intron before coding-DNA position 346, 24 bases deleted (ATATATATATATATATTTATTTAT).
Molecular consequence: intron variant.
Genome position (GRCh38, 1-based): chr10:90,918,984-90,919,007, ATAAATAAATATATATATATATAT deleted on the plus strand (ATATATATATATATATTTATTTAT on the coding strand, the reverse complement: ANKRD1 is on the minus strand); deleting any 24 consecutive bases within chr10:90,918,984-90,919,010 gives the same sequence; the c. name uses the placement nearest the transcript's 3' end. VCF-style (leftmost placement, unchanged base first): chr10-90918983-AATAAATAAATATATATATATATAT-A. GRCh37 (hg19) VCF-style: chr10-92678740-AATAAATAAATATATATATATATAT-A.
Other names: NC_000010.10:g.92678744_92678767del; c.346-35_346-12delATATATATATATATATTTATTTAT (NM_014391.2); c.346-38_346-15del (NM_014391.3); c.346-35_346-12del24 (NM_014391.2).
Identifiers: ClinVar variation 516096 (VCV000516096.12), dbSNP rs751458325, ClinGen allele CA5598751.

ClinVar aggregate classification (germline): Benign/Likely benign. Review status: criteria provided, multiple submitters, no conflicts (2 of 4 stars). 4 submissions from 4 submitters: Benign (2); Likely benign (1). 1 of the submissions does not count toward it. Last evaluated 2026-02-04.

Conditions:
ANKRD1-related dilated cardiomyopathy. Identifiers: MedGen CN119551.
Congenital total pulmonary venous return anomaly (TAPVR1). Also called: TOTAL ANOMALOUS PULMONARY VENOUS RETURN 1; Total anomalous pulmonary venous return. Identifiers: Orphanet 99125, MedGen C4551903, MONDO:0007130, OMIM 106700, HP:0005160.
Hypertrophic cardiomyopathy 2. Also called: TNNT2-Related Familial Hypertrophic Cardiomyopathy. Identifiers: MedGen C1861864, MONDO:0007266, OMIM 115195.

Submissions (6):

Labcorp Genetics (formerly Invitae), Labcorp
Classification: Benign for ANKRD1-related dilated cardiomyopathy. Last evaluated: 2026-02-04. Review status: criteria provided, single submitter. Criteria: Invitae Variant Classification Sherloc (09022015). Collection method: clinical testing. Allele origin: germline.

Genome Diagnostics Laboratory, University Medical Center Utrecht
Classification: Likely benign for Congenital total pulmonary venous return anomaly. Last evaluated: 2016-05-23. Review status: criteria provided, single submitter. Criteria: ACGS Guidelines, 2013. Collection method: clinical testing. Allele origin: germline. Affected: yes. Study: VKGL Data-share Consensus.

GeneDx
Classification: Benign. Last evaluated: 2015-04-29. Review status: criteria provided, single submitter. Criteria: GeneDx Variant Classification (06012015). Collection method: clinical testing. Allele origin: germline. Affected: yes.
Comment: This variant is considered likely benign or benign based on one or more of the following criteria: it is a conservative change, it occurs at a poorly conserved position in the protein, it is predicted to be benign by multiple in silico algorithms, and/or has population frequency not consistent with disease.

Dr. Peter K. Rogan Lab, Western University
No classification provided (evidence only). Condition: Nonpapillary renal cell carcinoma. Review status: no classification provided. Collection method: in vitro. Allele origin: not applicable. Functional consequence: retained intron. Not counted in ClinVar's aggregate classification.

Dr. Peter K. Rogan Lab, Western University
No classification provided (evidence only). Condition: Gastric cancer. Review status: no classification provided. Collection method: in vitro. Allele origin: not applicable. Functional consequence: retained intron. Not counted in ClinVar's aggregate classification.

Institute of Human Genetics, University of Wuerzburg
Classification: Benign for Hypertrophic cardiomyopathy 2. Review status: no assertion criteria provided. Collection method: clinical testing. Allele origin: unknown. Affected: yes. Observed: 1 variant allele. Not counted in ClinVar's aggregate classification.